The following is an entry in ClinVar:

ClinVar aggregate classification (germline): Uncertain significance (1 of 4 stars; one submission).

Conditions:
Peutz-Jeghers syndrome (PJS). Also called: POLYPOSIS, HAMARTOMATOUS INTESTINAL; POLYPS-AND-SPOTS SYNDROME; Peutz-Jeghers polyposis; Periorificial lentiginosis syndrome. Identifiers: Orphanet 2869, MedGen C0031269, MeSH D010580, MONDO:0008280, OMIM 175200.

Submission:

Labcorp Genetics (formerly Invitae), Labcorp
Classification: Uncertain significance for Peutz-Jeghers syndrome. Last evaluated: 2024-04-09. Review status: criteria provided, single submitter. Criteria: Invitae Variant Classification Sherloc (09022015). Collection method: clinical testing. Allele origin: germline.
Comment: This sequence change replaces proline, which is neutral and non-polar, with histidine, which is basic and polar, at codon 369 of the STK11 protein (p.Pro369His). This variant is not present in population databases (gnomAD no frequency). This variant has not been reported in the literature in individuals affected with STK11-related conditions. ClinVar contains an entry for this variant (Variation ID: 2039876). An algorithm developed to predict the effect of missense changes on protein structure and function (PolyPhen-2) suggests that this variant is likely to be disruptive. In summary, the available evidence is currently insufficient to determine the role of this variant in disease. Therefore, it has been classified as a Variant of Uncertain Significance.

NM_000455.5(STK11):c.1106C>A (p.Pro369His)

Genes: STK11 (serine/threonine kinase 11; plus strand), LOC130062899 (ATAC-STARR-seq lymphoblastoid active region 13597; plus strand). Cytogenetic location: 19p13.3.
Variant type: single nucleotide variant.
Coding change: c.1106C>A on transcript NM_000455.5 (MANE Select); coding-DNA position 1106, C replaced by A.
Protein change: p.Pro369His; replaces proline 369 with histidine.
Molecular consequence: missense variant.
Genome position (GRCh38, 1-based): chr19:1,223,170, C>A. VCF-style: chr19-1223170-C-A. GRCh37 (hg19) VCF-style: chr19-1223169-C-A.
Other names: c.1106C>A, p.Pro369His (NM_001407255.1); short protein forms P369H.
Identifiers: ClinVar variation 2039876 (VCV002039876.4), dbSNP rs1230130092, ClinGen allele CA402951995.